The following is an entry in ClinVar:

NM_001040436.3(YARS2):c.37C>T (p.Arg13Trp)

Gene: YARS2 (tyrosyl-tRNA synthetase 2; minus strand). Cytogenetic location: 12p11.21.
Variant type: single nucleotide variant.
Coding change: c.37C>T on transcript NM_001040436.3 (MANE Select); coding-DNA position 37, C replaced by T.
Protein change: p.Arg13Trp; replaces arginine 13 with tryptophan.
Molecular consequence: missense variant.
Genome position (GRCh38, 1-based): chr12:32,755,838, G>A on the plus strand (C>T on the coding strand, the complement: YARS2 is on the minus strand). VCF-style: chr12-32755838-G-A. GRCh37 (hg19) VCF-style: chr12-32908772-G-A.
Other names: short protein forms R13W.
Identifiers: ClinVar variation 1958411 (VCV001958411.5), dbSNP rs750357432, ClinGen allele CA6508253.

ClinVar aggregate classification (germline): Uncertain significance (1 of 4 stars; one submission).

Allele frequency attached by ClinVar (database versions not stated): ExAC 0.00002.

Submission:

Labcorp Genetics (formerly Invitae), Labcorp
Classification: Uncertain significance. Last evaluated: 2024-10-16. Review status: criteria provided, single submitter. Criteria: Invitae Variant Classification Sherloc (09022015). Collection method: clinical testing. Allele origin: germline.
Comment: This sequence change replaces arginine, which is basic and polar, with tryptophan, which is neutral and slightly polar, at codon 13 of the YARS2 protein (p.Arg13Trp). This variant is present in population databases (rs750357432, gnomAD 0.003%). This variant has not been reported in the literature in individuals affected with YARS2-related conditions. ClinVar contains an entry for this variant (Variation ID: 1958411). Invitae Evidence Modeling of protein sequence and biophysical properties (such as structural, functional, and spatial information, amino acid conservation, physicochemical variation, residue mobility, and thermodynamic stability) indicates that this missense variant is not expected to disrupt YARS2 protein function with a negative predictive value of 95%. In summary, the available evidence is currently insufficient to determine the role of this variant in disease. Therefore, it has been classified as a Variant of Uncertain Significance.